The following is an entry in ClinVar:

ClinVar aggregate classification (germline): Uncertain significance (1 of 4 stars; one submission).

Conditions:
Perlman syndrome (PRLMNS). Identifiers: Orphanet 2849, MedGen C0796113, MONDO:0009965, OMIM 267000.

Allele frequency attached by ClinVar (database versions not stated): gnomAD exomes below 0.00001.
gnomAD v4.1: 1 of 1,614,048 alleles (0.000062%); highest among the groups gnomAD compares: Non-Finnish European, 0.000085%; no homozygotes.

Submission:

Labcorp Genetics (formerly Invitae), Labcorp
Classification: Uncertain significance for Perlman syndrome. Last evaluated: 2025-09-08. Review status: criteria provided, single submitter. Criteria: Invitae Variant Classification Sherloc (09022015). Collection method: clinical testing. Allele origin: germline.
Comment: This sequence change replaces tyrosine, which is neutral and polar, with cysteine, which is neutral and slightly polar, at codon 6 of the DIS3L2 protein (p.Tyr6Cys). This variant is not present in population databases (gnomAD no frequency). This variant has not been reported in the literature in individuals affected with DIS3L2-related conditions. ClinVar contains an entry for this variant (Variation ID: 861011). An algorithm developed to predict the effect of missense changes on protein structure and function outputs the following: PolyPhen-2: "Benign". The cysteine amino acid residue is found in multiple mammalian species, which suggests that this missense change does not adversely affect protein function. In summary, the available evidence is currently insufficient to determine the role of this variant in disease. Therefore, it has been classified as a Variant of Uncertain Significance.

NM_152383.5(DIS3L2):c.17A>G (p.Tyr6Cys)

Gene: DIS3L2 (DIS3 like 3'-5' exoribonuclease 2; plus strand). Cytogenetic location: 2q37.1.
Variant type: single nucleotide variant.
Coding change: c.17A>G on transcript NM_152383.5 (MANE Select); coding-DNA position 17, A replaced by G.
Protein change: p.Tyr6Cys; replaces tyrosine 6 with cysteine.
Molecular consequence: missense variant. On other transcripts: non-coding transcript variant (2).
Genome position (GRCh38, 1-based): chr2:232,014,944, A>G. VCF-style: chr2-232014944-A-G. GRCh37 (hg19) VCF-style: chr2-232879654-A-G.
Other names: c.17A>G, p.Tyr6Cys (NM_001257281.2, NM_001257282.2); short protein forms Y6C.
Identifiers: ClinVar variation 861011 (VCV000861011.7), dbSNP rs1694312412, ClinGen allele CA351151053.